The following is an entry in ClinVar:

NM_002181.4(IHH):c.121C>T (p.Pro41Ser)

Gene: IHH (Indian hedgehog signaling molecule; minus strand). Cytogenetic location: 2q35.
Variant type: single nucleotide variant.
Coding change: c.121C>T on transcript NM_002181.4 (MANE Select); coding-DNA position 121, C replaced by T.
Protein change: p.Pro41Ser; replaces proline 41 with serine.
Molecular consequence: missense variant.
Genome position (GRCh38, 1-based): chr2:219,060,347, G>A on the plus strand (C>T on the coding strand, the complement: IHH is on the minus strand). VCF-style: chr2-219060347-G-A. GRCh37 (hg19) VCF-style: chr2-219925069-G-A.
Other names: short protein forms P41S.
Identifiers: ClinVar variation 3663581 (VCV003663581.2).

ClinVar aggregate classification (germline): Uncertain significance (1 of 4 stars; one submission).

Submission:

Labcorp Genetics (formerly Invitae), Labcorp
Classification: Uncertain significance. Last evaluated: 2024-10-30. Review status: criteria provided, single submitter. Criteria: Invitae Variant Classification Sherloc (09022015). Collection method: clinical testing. Allele origin: germline.
Comment: This sequence change replaces proline, which is neutral and non-polar, with serine, which is neutral and polar, at codon 41 of the IHH protein (p.Pro41Ser). This variant is not present in population databases (gnomAD no frequency). This variant has not been reported in the literature in individuals affected with IHH-related conditions. Invitae Evidence Modeling of protein sequence and biophysical properties (such as structural, functional, and spatial information, amino acid conservation, physicochemical variation, residue mobility, and thermodynamic stability) indicates that this missense variant is not expected to disrupt IHH protein function with a negative predictive value of 80%. In summary, the available evidence is currently insufficient to determine the role of this variant in disease. Therefore, it has been classified as a Variant of Uncertain Significance.